The following is an entry in ClinVar:

ClinVar aggregate classification (germline): Uncertain significance (1 of 4 stars; one submission).

Conditions:
Holoprosencephaly 3 (HPE3). Identifiers: Orphanet 2162, MedGen C1840529, MONDO:0007733, OMIM 142945.

Allele frequency attached by ClinVar (database versions not stated): TOPMed 0.00004; gnomAD 0.00006.
gnomAD v4.1: 9 of 152,162 alleles (0.0059%); highest among the groups gnomAD compares: Non-Finnish European, 0.013%; no homozygotes.

Submission:

Labcorp Genetics (formerly Invitae), Labcorp
Classification: Uncertain significance for Holoprosencephaly 3. Last evaluated: 2024-10-16. Review status: criteria provided, single submitter. Criteria: Invitae Variant Classification Sherloc (09022015). Collection method: clinical testing. Allele origin: germline.
Comment: This variant occurs in a non-coding region of the SHH gene. It does not change the encoded amino acid sequence of the SHH protein. This variant is present in population databases (no rsID available, gnomAD 0.02%). This variant has not been reported in the literature in individuals affected with SHH-related conditions. Experimental studies and prediction algorithms are not available or were not evaluated, and the functional significance of this variant is currently unknown. Experimental studies and prediction algorithms are not available or were not evaluated, and the effect of this variant on mRNA splicing is currently unknown. In summary, the available evidence is currently insufficient to determine the role of this variant in disease. Therefore, it has been classified as a Variant of Uncertain Significance.

NC_000007.14:g.156789667G>C

Genes: LMBR1 (limb development membrane protein 1; minus strand), SHH (sonic hedgehog signaling molecule; minus strand). Cytogenetic location: 7q36.3.
Variant type: single nucleotide variant.
Molecular consequence: intron variant (on NM_022458.4).
Genome position: GRCh38 VCF-style: chr7-156789667-G-C. GRCh37 (hg19) VCF-style: chr7-156582361-G-C.
Other names: c.360+6722C>G (NM_001363412.2); c.144+6722C>G (NM_001350954.2); c.423+6722C>G (NM_001363410.2, NM_022458.4, NM_001363409.2 and 1 more transcripts); c.-112+6722C>G (NM_001350958.2, NM_001350956.2, NM_001350955.2 and 1 more transcripts); c.54+6722C>G (NM_001350957.2, NM_001363411.2).
Identifiers: ClinVar variation 1382928 (VCV001382928.4), dbSNP rs896035837, ClinGen allele CA169823294.
Genomic context (GRCh38, chr7:156,789,667, plus strand): 5'-TGAATAAATGATTTTATACATGAATAAATATGAGCTTAAGTGCCAAATAAATCTAAGATT[G>C]TAACAATTCAACCCCTAGCCTCTCTGGTGAGCTCTTGTCCTGCAGGCCTGTGGTATCCTA-3'